The following is an entry in ClinVar:

NM_000059.4(BRCA2):c.6521T>C (p.Val2174Ala)

Gene: BRCA2 (BRCA2 DNA repair associated; plus strand). Cytogenetic location: 13q13.1.
Variant type: single nucleotide variant.
Coding change: c.6521T>C on transcript NM_000059.4 (MANE Select); coding-DNA position 6521, T replaced by C.
Protein change: p.Val2174Ala; replaces valine 2174 with alanine.
Molecular consequence: missense variant.
Genome position (GRCh38, 1-based): chr13:32,340,876, T>C. VCF-style: chr13-32340876-T-C. GRCh37 (hg19) VCF-style: chr13-32915013-T-C.
Other names: short protein forms V2174A.
Identifiers: ClinVar variation 231930 (VCV000231930.20), dbSNP rs876659448, ClinGen allele CA10579699.

ClinVar aggregate classification (germline): Conflicting classifications of pathogenicity. Review status: criteria provided, conflicting classifications (1 of 4 stars). 6 submissions from 6 submitters: Uncertain significance (5); Likely benign (1). Last evaluated 2026-01-25.

Conditions:
Hereditary cancer-predisposing syndrome. Also called: Neoplastic Syndromes, Hereditary; Tumor predisposition; Hereditary Cancer Syndrome; Hereditary neoplastic syndrome. Identifiers: Orphanet 140162, MedGen C0027672, MeSH D009386, MONDO:0015356.
Hereditary breast ovarian cancer syndrome. Also called: BRCA1- and BRCA2-Associated Hereditary Breast and Ovarian Cancer; Hereditary breast and ovarian cancer syndrome; Hereditary breast and ovarian cancer; Hereditary breast and ovarian cancer syndrome (HBOC); Breast and ovarian cancer; Hereditary breast and/or ovarian cancer syndrome. Identifiers: Orphanet 145, MedGen C0677776, MeSH D061325, MONDO:0003582. Disease mechanism: loss of function.

Allele frequency attached by ClinVar (database versions not stated): gnomAD exomes below 0.00001.
gnomAD v4.1: 2 of 1,604,706 alleles (0.00012%); highest among the groups gnomAD compares: Middle Eastern, 0.017%; no homozygotes.

Submissions (6):

Labcorp Genetics (formerly Invitae), Labcorp
Classification: Uncertain significance for Hereditary breast ovarian cancer syndrome. Last evaluated: 2026-01-25. Review status: criteria provided, single submitter. Criteria: Invitae Variant Classification Sherloc (09022015). Collection method: clinical testing. Allele origin: germline.
Comment: This sequence change replaces valine, which is neutral and non-polar, with alanine, which is neutral and non-polar, at codon 2174 of the BRCA2 protein (p.Val2174Ala). This variant is present in population databases (no rsID available, gnomAD 0.0009%). This missense change has been observed in individual(s) with breast cancer (PMID: 35402282). ClinVar contains an entry for this variant (Variation ID: 231930). Invitae Evidence Modeling of protein sequence and biophysical properties (such as structural, functional, and spatial information, amino acid conservation, physicochemical variation, residue mobility, and thermodynamic stability) indicates that this missense variant is not expected to disrupt BRCA2 protein function with a negative predictive value of 95%. In summary, the available evidence is currently insufficient to determine the role of this variant in disease. Therefore, it has been classified as a Variant of Uncertain Significance.

Color Diagnostics, LLC DBA Color Health
Classification: Uncertain significance for Hereditary cancer-predisposing syndrome. Last evaluated: 2024-08-28. Review status: criteria provided, single submitter. Criteria: ACMG Guidelines, 2015. Collection method: clinical testing. Allele origin: germline.
Comment: This missense variant replaces valine with alanine at codon 2174 of the BRCA2 protein. Computational prediction suggests that this variant may not impact protein structure and function. To our knowledge, functional studies have not been reported for this variant. This variant has been reported in two individuals affected with breast cancer (PMID: 35402282). This variant has been identified in 1/242468 chromosomes in the general population by the Genome Aggregation Database (gnomAD). The available evidence is insufficient to determine the role of this variant in disease conclusively. Therefore, this variant is classified as a Variant of Uncertain Significance.

Ambry Genetics
Classification: Uncertain significance for Hereditary cancer-predisposing syndrome. Last evaluated: 2024-03-13. Review status: criteria provided, single submitter. Criteria: Ambry Variant Classification Scheme 2023. Collection method: clinical testing. Allele origin: germline.
Comment: The p.V2174A variant (also known as c.6521T>C), located in coding exon 10 of the BRCA2 gene, results from a T to C substitution at nucleotide position 6521. The valine at codon 2174 is replaced by alanine, an amino acid with similar properties. This alteration was detected in 2/1197 patients with breast cancer who underwent genetic testing (Abdel-Razeq H et al. Front Oncol, 2022 Mar;12:673094). This amino acid position is not well conserved in available vertebrate species. In addition, this alteration is predicted to be tolerated by in silico analysis. Based on the available evidence, the clinical significance of this alteration remains unclear.

Quest Diagnostics Nichols Institute San Juan Capistrano
Classification: Uncertain significance. Last evaluated: 2023-10-14. Review status: criteria provided, single submitter. Criteria: Quest Diagnostics criteria. Collection method: clinical testing. Allele origin: unknown.

University of Washington Department of Laboratory Medicine, University of Washington
Classification: Likely benign for Hereditary cancer-predisposing syndrome. Last evaluated: 2023-03-23. Review status: criteria provided, single submitter. Criteria: Dines et al. (Genet Med. 2020). Collection method: curation. Allele origin: germline.
Comment: Missense variant in a coldspot region where missense variants are very unlikely to be pathogenic (PMID:31911673).

BRCA2 exon 11 coldspot. Reclassification based on statistical prior probability.

Women's Health and Genetics/Laboratory Corporation of America, LabCorp
Classification: Uncertain significance. Last evaluated: 2017-09-18. Review status: criteria provided, single submitter. Criteria: LabCorp Variant Classification Summary - May 2015. Collection method: clinical testing. Allele origin: germline.
Comment: Variant summary: The c.6521T>C (p.Val2174Ala) in BRCA2 gene is a missense variant involves a non-conserved nucleotide and 3/5 in silico tools predict benign outcome, however no functional studies supporting these predictions were published at the time of evaluation. The variant is located outside of any known functional domain or repeat. The c.6521T>C is absent from the control population dataset of ExAC (~120414chrs tested), but is present at a low frequency in gnomAD (0.000004; 1/237750 chrs tested). This frequency does not exceed the maximal expected allele frequency for a disease causing allele in BRCA2 gene (0.000175). To our knowledge, the variant has not been reported in affected individuals via published reports but is cited as VUS by reputable databases/clinical laboratories. Taken together, the variant was classified as VUS, until new information becomes available.

Literature cited by the submitters: PubMed 35402282 (cited by 3 submitters); PubMed 31911673 (cited by Quest Diagnostics Nichols Institute San Juan Capistrano).